The following is an entry in ClinVar:

NM_001042492.3(NF1):c.1036G>A (p.Val346Ile)

Gene: NF1 (neurofibromin 1; plus strand). Cytogenetic location: 17q11.2.
Variant type: single nucleotide variant.
Coding change: c.1036G>A on transcript NM_001042492.3 (MANE Select); coding-DNA position 1036, G replaced by A.
Protein change: p.Val346Ile; replaces valine 346 with isoleucine.
Molecular consequence: missense variant.
Genome position (GRCh38, 1-based): chr17:31,200,569, G>A. VCF-style: chr17-31200569-G-A. GRCh37 (hg19) VCF-style: chr17-29527587-G-A.
Other names: c.1036G>A, p.Val346Ile (NM_000267.4, NM_001128147.3); short protein forms V346I.
Identifiers: ClinVar variation 1719077 (VCV001719077.6), dbSNP rs2143874315, ClinGen allele CA398996417.

ClinVar aggregate classification (germline): Uncertain significance. Review status: criteria provided, multiple submitters, no conflicts (2 of 4 stars). 2 submissions from 2 submitters: Uncertain significance (2). Last evaluated 2024-06-21.

Conditions:
Neurofibromatosis, type 1 (NF1). Also called: Peripheral type neurofibromatosis; VON RECKLINGHAUSEN DISEASE; NEUROFIBROMATOSIS, TYPE I, SOMATIC; Neurofibromatosis, type I. Identifiers: Orphanet 636, MedGen C0027831, MONDO:0018975, OMIM 162200. Disease mechanism: loss of function.
Cardiovascular phenotype. Identifiers: MedGen CN230736.
Hereditary cancer-predisposing syndrome. Also called: Hereditary neoplastic syndrome; Tumor predisposition; Neoplastic Syndromes, Hereditary; Hereditary Cancer Syndrome. Identifiers: Orphanet 140162, MedGen C0027672, MeSH D009386, MONDO:0015356.

Submissions (2):

Labcorp Genetics (formerly Invitae), Labcorp
Classification: Uncertain significance for Neurofibromatosis, type 1. Last evaluated: 2024-06-21. Review status: criteria provided, single submitter. Criteria: Invitae Variant Classification Sherloc (09022015). Collection method: clinical testing. Allele origin: germline.
Comment: This sequence change replaces valine, which is neutral and non-polar, with isoleucine, which is neutral and non-polar, at codon 346 of the NF1 protein (p.Val346Ile). This variant is not present in population databases (gnomAD no frequency). This variant has not been reported in the literature in individuals affected with NF1-related conditions. ClinVar contains an entry for this variant (Variation ID: 1719077). Advanced modeling of protein sequence and biophysical properties (such as structural, functional, and spatial information, amino acid conservation, physicochemical variation, residue mobility, and thermodynamic stability) performed at Invitae indicates that this missense variant is expected to disrupt NF1 protein function with a positive predictive value of 95%. In summary, the available evidence is currently insufficient to determine the role of this variant in disease. Therefore, it has been classified as a Variant of Uncertain Significance.

Ambry Genetics
Classification: Uncertain significance for Cardiovascular phenotype; Hereditary cancer-predisposing syndrome. Last evaluated: 2023-09-19. Review status: criteria provided, single submitter. Criteria: Ambry Variant Classification Scheme 2023. Collection method: clinical testing. Allele origin: germline.
Comment: The p.V346I variant (also known as c.1036G>A), located in coding exon 9 of the NF1 gene, results from a G to A substitution at nucleotide position 1036. The valine at codon 346 is replaced by isoleucine, an amino acid with highly similar properties. This amino acid position is highly conserved in available vertebrate species. In addition, this alteration is predicted to be tolerated by in silico analysis. Since supporting evidence is limited at this time, the clinical significance of this alteration remains unclear.